The following is an entry in ClinVar:

ClinVar aggregate classification (germline): Pathogenic (1 of 4 stars; one submission).

Conditions:
Hypertrophic cardiomyopathy. Also called: HYPERTROPHIC MYOCARDIOPATHY. Identifiers: Orphanet 217569, MedGen C0007194, MeSH D002312, MONDO:0005045, HP:0001639.

Submission:

Labcorp Genetics (formerly Invitae), Labcorp
Classification: Pathogenic for Hypertrophic cardiomyopathy. Last evaluated: 2024-02-24. Review status: criteria provided, single submitter. Criteria: Invitae Variant Classification Sherloc (09022015). Collection method: clinical testing. Allele origin: germline.
Comment: This sequence change creates a premature translational stop signal (p.Gln366*) in the MYBPC3 gene. It is expected to result in an absent or disrupted protein product. Loss-of-function variants in MYBPC3 are known to be pathogenic (PMID: 19574547). This variant is not present in population databases (gnomAD no frequency). This premature translational stop signal has been observed in individual(s) with hypertrophic cardiomyopathy (PMID: 25740977). This variant is also known as c.1105C>T (p.Q366X) . For these reasons, this variant has been classified as Pathogenic.

Literature cited by the submitters: PubMed 19574547; PubMed 25740977.

NM_000256.3(MYBPC3):c.1096C>T (p.Gln366Ter)

Gene: MYBPC3 (myosin binding protein C3; minus strand). Cytogenetic location: 11p11.2.
Variant type: single nucleotide variant.
Coding change: c.1096C>T on transcript NM_000256.3 (MANE Select); coding-DNA position 1096, C replaced by T.
Protein change: p.Gln366Ter; replaces glutamine 366 with a stop codon.
Molecular consequence: nonsense.
Genome position (GRCh38, 1-based): chr11:47,343,619, G>A on the plus strand (C>T on the coding strand, the complement: MYBPC3 is on the minus strand). VCF-style: chr11-47343619-G-A. GRCh37 (hg19) VCF-style: chr11-47365170-G-A.
Other names: short protein forms Q366*.
Identifiers: ClinVar variation 2735597 (VCV002735597.3), dbSNP rs2495765804, ClinGen allele CA380329499.